The following is an entry in ClinVar:

ClinVar aggregate classification (germline): Uncertain significance (1 of 4 stars; one submission).

Allele frequency attached by ClinVar (database versions not stated): TOPMed below 0.00001; gnomAD 0.00001; gnomAD exomes 0.00001 and 0.00002.
gnomAD v4.1: 18 of 1,613,856 alleles (0.0011%); highest among the groups gnomAD compares: Non-Finnish European, 0.0013%; 1 homozygote.

Submission:

Labcorp Genetics (formerly Invitae), Labcorp
Classification: Uncertain significance. Last evaluated: 2021-11-09. Review status: criteria provided, single submitter. Criteria: Invitae Variant Classification Sherloc (09022015). Collection method: clinical testing. Allele origin: germline.
Comment: This sequence change replaces glutamic acid, which is acidic and polar, with aspartic acid, which is acidic and polar, at codon 48 of the GTF2H5 protein (p.Glu48Asp). This variant is present in population databases (no rsID available, gnomAD 0.002%). This variant has not been reported in the literature in individuals affected with GTF2H5-related conditions. Algorithms developed to predict the effect of missense changes on protein structure and function (SIFT, PolyPhen-2, Align-GVGD) all suggest that this variant is likely to be tolerated. In summary, the available evidence is currently insufficient to determine the role of this variant in disease. Therefore, it has been classified as a Variant of Uncertain Significance.

NM_207118.3(GTF2H5):c.144A>T (p.Glu48Asp)

Gene: GTF2H5 (general transcription factor IIH subunit 5; plus strand). Cytogenetic location: 6q25.3.
Variant type: single nucleotide variant.
Coding change: c.144A>T on transcript NM_207118.3 (MANE Select); coding-DNA position 144, A replaced by T.
Protein change: p.Glu48Asp; replaces glutamic acid 48 with aspartic acid.
Molecular consequence: missense variant.
Genome position (GRCh38, 1-based): chr6:158,192,085, A>T. VCF-style: chr6-158192085-A-T. GRCh37 (hg19) VCF-style: chr6-158613117-A-T.
Other names: short protein forms E48D.
Identifiers: ClinVar variation 1483525 (VCV001483525.3), dbSNP rs1333335800, ClinGen allele CA366253554.
Genomic context (GRCh38, chr6:158,192,085, plus strand): 5'-CCTGGGGAAGAAGTTCATCATTCAAGACATTGATGACACTCACGTCTTTGTAATAGCAGA[A>T]TTGGTTAATGTCCTCCAGGAGCGAGTGGGTGAATTAATGGACCAAAATGCTTTTTCCCTT-3'
Protein context (NP_997001.1, residues 38-58): IDDTHVFVIA[Glu48Asp]LVNVLQERVG